The following is an entry in ClinVar:

NM_006502.3(POLH):c.1913G>A (p.Cys638Tyr)

Gene: POLH (DNA polymerase eta; plus strand). Cytogenetic location: 6p21.1.
Variant type: single nucleotide variant.
Coding change: c.1913G>A on transcript NM_006502.3 (MANE Select); coding-DNA position 1913, G replaced by A.
Protein change: p.Cys638Tyr; replaces cysteine 638 with tyrosine.
Molecular consequence: missense variant. On other transcripts: 3 prime UTR variant (1).
Genome position (GRCh38, 1-based): chr6:43,614,328, G>A. VCF-style: chr6-43614328-G-A. GRCh37 (hg19) VCF-style: chr6-43582065-G-A.
Other names: c.1541G>A, p.Cys514Tyr (NM_001291969.2); c.*597G>A (NM_001291970.2); short protein forms C514Y, C638Y.
Identifiers: ClinVar variation 4884984 (VCV004884984.2).

ClinVar aggregate classification (germline): Uncertain significance (1 of 4 stars; one submission).

Submission:

Dasa
Classification: Uncertain significance. Last evaluated: 2025-04-16. Review status: criteria provided, single submitter. Criteria: DASA Assertion Criteria. Collection method: clinical testing. Allele origin: germline.
Comment: NM_006502.3(POLH):c.1913G>A (p.Cys638Tyr) is a missense variant that results in the substitution of cysteine with tyrosine. This variant is absent from population databases. Computational prediction algorithms are consistent with a deleterious effect. The currently available literature and clinical evidence are not sufficient to establish a definitive association between this variant and the reported condition. Therefore, this variant is classified as a variant of uncertain significance.